The following is an entry in ClinVar:

NM_021044.4(DHH):c.273_275dup (p.Glu91_Asn92insLys)

Genes: DHH (desert hedgehog signaling molecule; minus strand), DHH-AS1 (DHH antisense RNA 1; plus strand). Cytogenetic location: 12q13.12.
Variant type: Duplication.
Coding change: c.273_275dup on transcript NM_021044.4 (MANE Select); coding-DNA positions 273 to 275, 3 bases duplicated (GAA; older notation c.273_275dupGAA).
Protein change: p.Glu91_Asn92insLys.
Genome position (GRCh38, 1-based): chr12:49,094,238-49,094,240, TTC duplicated on the plus strand (GAA on the coding strand, the reverse complement: DHH is on the minus strand); duplicating any 3 consecutive bases within chr12:49,094,238-49,094,241 gives the same sequence; the c. name uses the placement nearest the transcript's 3' end. VCF-style (leftmost placement, unchanged base first): chr12-49094237-G-GTTC. GRCh37 (hg19) VCF-style: chr12-49488020-G-GTTC.
Other names: c.273_275dupGAA (NM_021044.2).
Identifiers: ClinVar variation 3031090 (VCV003031090.3), dbSNP rs2498543589, ClinGen allele CA2618617047.
Genomic context (GRCh38, chr12:49,094,237, plus strand): 5'-GCCCCGGCGCAGGTAGGGAGAGGCCCTCCTTACCTCGGTCATCAGGCGGTCGGCTCCACT[G>GTTC]TTCTCCTCATCCTTGAAGATGATGTCGGGGTTGTAGTTGGGCACGAGGTCCCGGAAGCGC-3'

ClinVar aggregate classification (germline): Uncertain significance. Review status: criteria provided, single submitter (1 of 4 stars). 2 submissions from 2 submitters: Uncertain significance (1). 1 of the submissions does not count toward it. Last evaluated 2024-11-05.

Conditions:
DHH-related disorder. Also called: DHH-related condition.
Inborn genetic diseases. Identifiers: MedGen C0950123, MeSH D030342.

Submissions (2):

Ambry Genetics
Classification: Uncertain significance for Inborn genetic diseases. Last evaluated: 2024-11-05. Review status: criteria provided, single submitter. Criteria: Ambry Variant Classification Scheme 2023. Collection method: clinical testing. Allele origin: germline.
Comment: The c.273_275dupGAA (p.E91_N92insK) alteration, located in coding exon 1 of the DHH gene, results in an in-frame duplication of 3 nucleotides at positions 273 to 275. This results in the insertion of a lysine residue between codons 91 and 92. This variant was not reported in population-based cohorts in the Genome Aggregation Database (gnomAD). This alteration is predicted to be deleterious by in silico analysis (Choi, 2012). Based on insufficient or conflicting evidence, the clinical significance of this alteration remains unclear.

PreventionGenetics, part of Exact Sciences
Classification: Uncertain significance for DHH-related condition. Last evaluated: 2023-12-28. Review status: no assertion criteria provided. Collection method: clinical testing. Allele origin: germline. Not counted in ClinVar's aggregate classification.
Comment: The DHH c.273_275dupGAA variant is predicted to result in an in-frame duplication (p.Glu91_Asn92insLys). To our knowledge, this variant has not been reported in the literature or in a large population database, indicating this variant is rare. At this time, the clinical significance of this variant is uncertain due to the absence of conclusive functional and genetic evidence.